The following is an entry in ClinVar:

ClinVar aggregate classification (germline): Uncertain significance. Review status: criteria provided, multiple submitters, no conflicts (2 of 4 stars). 4 submissions from 4 submitters: Uncertain significance (4). Last evaluated 2024-03-14.

Conditions:
Congenital stationary night blindness 1E. Also called: Night blindness, congenital stationary (complete), 1E, autosomal recessive. Identifiers: Orphanet 215, MedGen C3281215, MONDO:0013807, OMIM 614565.
Inborn genetic diseases. Identifiers: MedGen C0950123, MeSH D030342.

Allele frequency attached by ClinVar (database versions not stated): ExAC 0.00004; gnomAD exomes 0.00004 and 0.00009; gnomAD 0.00005 and 0.00006; TOPMed 0.00006.

Submissions (4):

Blueprint Genetics
Classification: Uncertain significance. Last evaluated: 2024-03-14. Review status: criteria provided, single submitter. Criteria: ACMG Guidelines, 2015. Collection method: clinical testing. Allele origin: germline.

Labcorp Genetics (formerly Invitae), Labcorp
Classification: Uncertain significance. Last evaluated: 2023-11-06. Review status: criteria provided, single submitter. Criteria: Invitae Variant Classification Sherloc (09022015). Collection method: clinical testing. Allele origin: germline.
Comment: This sequence change replaces valine, which is neutral and non-polar, with isoleucine, which is neutral and non-polar, at codon 937 of the GPR179 protein (p.Val937Ile). This variant is present in population databases (rs765764314, gnomAD 0.05%). This variant has not been reported in the literature in individuals affected with GPR179-related conditions. ClinVar contains an entry for this variant (Variation ID: 323007). Algorithms developed to predict the effect of missense changes on protein structure and function output the following: SIFT: "Not Available"; PolyPhen-2: "Benign"; Align-GVGD: "Not Available". The isoleucine amino acid residue is found in multiple mammalian species, which suggests that this missense change does not adversely affect protein function. In summary, the available evidence is currently insufficient to determine the role of this variant in disease. Therefore, it has been classified as a Variant of Uncertain Significance.

Ambry Genetics
Classification: Uncertain significance for Inborn genetic diseases. Last evaluated: 2022-05-27. Review status: criteria provided, single submitter. Criteria: Ambry Variant Classification Scheme 2023. Collection method: clinical testing. Allele origin: germline.

Illumina Laboratory Services, Illumina
Classification: Uncertain significance for Congenital stationary night blindness 1E. Last evaluated: 2018-01-13. Review status: criteria provided, single submitter. Criteria: ICSL Variant Classification Criteria 13 December 2019. Collection method: clinical testing. Allele origin: germline.

NM_001004334.4(GPR179):c.2809G>A (p.Val937Ile)

Gene: GPR179 (G protein-coupled receptor 179; minus strand). Cytogenetic location: 17q12.
Variant type: single nucleotide variant.
Coding change: c.2809G>A on transcript NM_001004334.4 (MANE Select); coding-DNA position 2809, G replaced by A.
Protein change: p.Val937Ile; replaces valine 937 with isoleucine.
Molecular consequence: missense variant.
Genome position (GRCh38, 1-based): chr17:38,330,760, C>T on the plus strand (G>A on the coding strand, the complement: GPR179 is on the minus strand). VCF-style: chr17-38330760-C-T. GRCh37 (hg19) VCF-style: chr17-36486643-C-T.
Other names: short protein forms V937I.
Identifiers: ClinVar variation 323007 (VCV000323007.10), dbSNP rs765764314, ClinGen allele CA10650031.